The following is an entry in ClinVar:

NM_002109.6(HARS1):c.43G>A (p.Gly15Arg)

Genes: HARS1 (histidyl-tRNA synthetase 1; minus strand), LOC129994848 (ATAC-STARR-seq lymphoblastoid active region 23285; plus strand). Cytogenetic location: 5q31.3.
Variant type: single nucleotide variant.
Coding change: c.43G>A on transcript NM_002109.6 (MANE Select); coding-DNA position 43, G replaced by A.
Protein change: p.Gly15Arg; replaces glycine 15 with arginine.
Molecular consequence: missense variant. On other transcripts: intron variant (1).
Genome position (GRCh38, 1-based): chr5:140,691,262, C>T on the plus strand (G>A on the coding strand, the complement: HARS1 is on the minus strand). VCF-style: chr5-140691262-C-T. GRCh37 (hg19) VCF-style: chr5-140070847-C-T.
Other names: c.43G>A, p.Gly15Arg (NM_001258040.3, NM_001258041.3, NM_001258042.3 and 2 more transcripts); c.3+40G>A (NM_001289094.2); c.43G>A (NM_002109.3); short protein forms G15R.
Identifiers: ClinVar variation 941419 (VCV000941419.12), dbSNP rs1394473077, ClinGen allele CA361191778.

ClinVar aggregate classification (germline): Uncertain significance. Review status: criteria provided, multiple submitters, no conflicts (2 of 4 stars). 2 submissions from 2 submitters: Uncertain significance (2). Last evaluated 2025-08-04.

Conditions:
Usher syndrome type 3B. Also called: USHER SYNDROME, TYPE IIIB. Identifiers: MedGen C3281066, MONDO:0013788, OMIM 614504.

Allele frequency attached by ClinVar (database versions not stated): gnomAD exomes 0.00001.
gnomAD v4.1: 13 of 1,608,730 alleles (0.00081%); highest among the groups gnomAD compares: Non-Finnish European, 0.0011%; no homozygotes.

Submissions (2):

Ambry Genetics
Classification: Uncertain significance. Last evaluated: 2025-08-04. Review status: criteria provided, single submitter. Criteria: Ambry Variant Classification Scheme 2023. Collection method: clinical testing. Allele origin: germline.

Labcorp Genetics (formerly Invitae), Labcorp
Classification: Uncertain significance for Usher syndrome type 3B. Last evaluated: 2024-03-24. Review status: criteria provided, single submitter. Criteria: Invitae Variant Classification Sherloc (09022015). Collection method: clinical testing. Allele origin: germline.
Comment: This sequence change replaces glycine, which is neutral and non-polar, with arginine, which is basic and polar, at codon 15 of the HARS protein (p.Gly15Arg). This variant is not present in population databases (gnomAD no frequency). This variant has not been reported in the literature in individuals affected with HARS-related conditions. ClinVar contains an entry for this variant (Variation ID: 941419). An algorithm developed to predict the effect of missense changes on protein structure and function (PolyPhen-2) suggests that this variant is likely to be disruptive. In summary, the available evidence is currently insufficient to determine the role of this variant in disease. Therefore, it has been classified as a Variant of Uncertain Significance.